The following is an entry in ClinVar:

ClinVar aggregate classification (germline): Likely benign. Review status: criteria provided, multiple submitters, no conflicts (2 of 4 stars). 3 submissions from 3 submitters: Likely benign (3). Last evaluated 2025-02-02.

Allele frequency attached by ClinVar (database versions not stated): gnomAD 0.00001 and 0.00003; TOPMed 0.00001; gnomAD exomes 0.00006 and 0.00011; ExAC 0.00015; 1000 Genomes Project 30x 0.00031; 1000 Genomes Project 0.00040.
gnomAD v4.1: 86 of 1,457,930 alleles (0.0059%); highest among the groups gnomAD compares: South Asian, 0.069%; no homozygotes.

Submissions (3):

Labcorp Genetics (formerly Invitae), Labcorp
Classification: Likely benign. Last evaluated: 2025-02-02. Review status: criteria provided, single submitter. Criteria: Invitae Variant Classification Sherloc (09022015). Collection method: clinical testing. Allele origin: germline.

CeGaT Center for Human Genetics Tuebingen
Classification: Likely benign. Last evaluated: 2025-01-01. Review status: criteria provided, single submitter. Criteria: CeGaT Center For Human Genetics Tuebingen Variant Classification Criteria Version 2. Collection method: clinical testing. Allele origin: germline. Affected: yes. Observed: 1 variant allele.
Comment: COL18A1: BP4, BP7

Blueprint Genetics
Classification: Likely benign. Last evaluated: 2024-04-16. Review status: criteria provided, single submitter. Criteria: ACMG Guidelines, 2015. Collection method: clinical testing. Allele origin: germline.

NM_001379500.1(COL18A1):c.2517C>T (p.Pro839=)

Gene: COL18A1 (collagen type XVIII alpha 1 chain; plus strand). Cytogenetic location: 21q22.3.
Variant type: single nucleotide variant.
Coding change: c.2517C>T on transcript NM_001379500.1 (MANE Select); coding-DNA position 2517, C replaced by T.
Protein change: p.Pro839=; no amino-acid change (proline 839 retained).
Molecular consequence: synonymous variant.
Genome position (GRCh38, 1-based): chr21:45,496,508, C>T. VCF-style: chr21-45496508-C-T. GRCh37 (hg19) VCF-style: chr21-46916422-C-T.
Other names: c.3057C>T, p.Pro1019= (NM_030582.4); c.3762C>T, p.Pro1254= (NM_130444.3).
Identifiers: ClinVar variation 1650753 (VCV001650753.22), dbSNP rs544241303, ClinGen allele CA10067167.